The following is an entry in ClinVar:

ClinVar aggregate classification (germline): Uncertain significance (1 of 4 stars; one submission).

Submission:

Labcorp Genetics (formerly Invitae), Labcorp
Classification: Uncertain significance. Last evaluated: 2023-10-15. Review status: criteria provided, single submitter. Criteria: Invitae Variant Classification Sherloc (09022015). Collection method: clinical testing. Allele origin: germline.
Comment: This sequence change replaces lysine, which is basic and polar, with asparagine, which is neutral and polar, at codon 488 of the HMCN1 protein (p.Lys488Asn). This variant is not present in population databases (gnomAD no frequency). This variant has not been reported in the literature in individuals affected with HMCN1-related conditions. Algorithms developed to predict the effect of missense changes on protein structure and function output the following: SIFT: "Not Available"; PolyPhen-2: "Benign"; Align-GVGD: "Not Available". The asparagine amino acid residue is found in multiple mammalian species, which suggests that this missense change does not adversely affect protein function. In summary, the available evidence is currently insufficient to determine the role of this variant in disease. Therefore, it has been classified as a Variant of Uncertain Significance.

NM_031935.3(HMCN1):c.1464G>T (p.Lys488Asn)

Gene: HMCN1 (hemicentin 1; plus strand). Cytogenetic location: 1q31.1.
Variant type: single nucleotide variant.
Coding change: c.1464G>T on transcript NM_031935.3 (MANE Select); coding-DNA position 1464, G replaced by T.
Protein change: p.Lys488Asn; replaces lysine 488 with asparagine.
Molecular consequence: missense variant.
Genome position (GRCh38, 1-based): chr1:185,928,579, G>T. VCF-style: chr1-185928579-G-T. GRCh37 (hg19) VCF-style: chr1-185897711-G-T.
Other names: short protein forms K488N.
Identifiers: ClinVar variation 2867385 (VCV002867385.3), dbSNP rs755638541, ClinGen allele CA343865251.